The following is an entry in ClinVar:

NM_000489.6(ATRX):c.1196T>G (p.Leu399Trp)

Gene: ATRX (ATRX chromatin remodeler; minus strand). Cytogenetic location: Xq21.1.
Variant type: single nucleotide variant.
Coding change: c.1196T>G on transcript NM_000489.6 (MANE Select); coding-DNA position 1196, T replaced by G.
Protein change: p.Leu399Trp; replaces leucine 399 with tryptophan.
Molecular consequence: missense variant.
Genome position (GRCh38, 1-based): chrX:77,684,060, A>C on the plus strand (T>G on the coding strand, the complement: ATRX is on the minus strand). VCF-style: chrX-77684060-A-C. GRCh37 (hg19) VCF-style: chrX-76939552-A-C.
Other names: c.1082T>G, p.Leu361Trp (NM_138270.5); short protein forms L361W, L399W.
Identifiers: ClinVar variation 1329801 (VCV001329801.2), dbSNP rs2148628404, ClinGen allele CA413719123.
Genomic context (GRCh38, chrX:77,684,060, plus strand): 5'-GCTCGAAACTCGGAATTTAAGTCTTCTTCCAATGCAAGATGAGCCTTCTTAATATCAGCC[A>C]ACACAGACTTAAAAGCCTTAAGCTGACGTAATTTTGTAGCAGAACTGATTTCTGAATTAT-3'
Protein context (NP_000480.3, residues 389-409): LRQLKAFKSV[Leu399Trp]ADIKKAHLAL

ClinVar aggregate classification (germline): Uncertain significance (1 of 4 stars; one submission).

Submission:

GeneDx
Classification: Uncertain significance. Last evaluated: 2021-06-23. Review status: criteria provided, single submitter. Criteria: GeneDx Variant Classification Process June 2021. Collection method: clinical testing. Allele origin: germline. Affected: yes.
Comment: Not observed at significant frequency in large population cohorts (Lek et al., 2016); In silico analysis supports that this missense variant has a deleterious effect on protein structure/function; Has not been previously published as pathogenic or benign to our knowledge; This variant is associated with the following publications: (PMID: 27535533)